The following is an entry in ClinVar:

ClinVar aggregate classification (germline): Uncertain significance (1 of 4 stars; one submission).

Conditions:
Rhabdoid tumor predisposition syndrome 2 (RTPS2). Identifiers: Orphanet 231108, Orphanet 69077, MedGen C2750074, MONDO:0013224, OMIM 613325.

Allele frequency attached by ClinVar (database versions not stated): TOPMed below 0.00001.

Submission:

Labcorp Genetics (formerly Invitae), Labcorp
Classification: Uncertain significance for Rhabdoid tumor predisposition syndrome 2. Last evaluated: 2023-03-02. Review status: criteria provided, single submitter. Criteria: Invitae Variant Classification Sherloc (09022015). Collection method: clinical testing. Allele origin: germline.
Comment: This sequence change replaces proline, which is neutral and non-polar, with serine, which is neutral and polar, at codon 247 of the SMARCA4 protein (p.Pro247Ser). This variant is not present in population databases (gnomAD no frequency). This variant has not been reported in the literature in individuals affected with SMARCA4-related conditions. ClinVar contains an entry for this variant (Variation ID: 2022499). Advanced modeling of protein sequence and biophysical properties (such as structural, functional, and spatial information, amino acid conservation, physicochemical variation, residue mobility, and thermodynamic stability) performed at Invitae indicates that this missense variant is not expected to disrupt SMARCA4 protein function. In summary, the available evidence is currently insufficient to determine the role of this variant in disease. Therefore, it has been classified as a Variant of Uncertain Significance.

NM_003072.5(SMARCA4):c.739C>T (p.Pro247Ser)

Gene: SMARCA4 (SWI/SNF related BAF chromatin remodeling complex subunit ATPase 4; plus strand). Cytogenetic location: 19p13.2.
Variant type: single nucleotide variant.
Coding change: c.739C>T on transcript NM_003072.5 (MANE Select); coding-DNA position 739, C replaced by T.
Protein change: p.Pro247Ser; replaces proline 247 with serine.
Molecular consequence: missense variant. On other transcripts: non-coding transcript variant (1).
Genome position (GRCh38, 1-based): chr19:10,986,572, C>T. VCF-style: chr19-10986572-C-T. GRCh37 (hg19) VCF-style: chr19-11097248-C-T.
Other names: c.739C>T, p.Pro247Ser (NM_001128844.3, NM_001128845.2, NM_001128846.2 and 6 more transcripts); short protein forms P247S.
Identifiers: ClinVar variation 2022499 (VCV002022499.4), dbSNP rs753131047, ClinGen allele CA404057251.